The following is an entry in ClinVar:

NM_000038.6(APC):c.6116T>G (p.Leu2039Trp)

Gene: APC (APC regulator of Wnt signaling pathway; plus strand). Cytogenetic location: 5q22.2.
Variant type: single nucleotide variant.
Coding change: c.6116T>G on transcript NM_000038.6 (MANE Select); coding-DNA position 6116, T replaced by G.
Protein change: p.Leu2039Trp; replaces leucine 2039 with tryptophan.
Molecular consequence: missense variant.
Genome position (GRCh38, 1-based): chr5:112,841,710, T>G. VCF-style: chr5-112841710-T-G. GRCh37 (hg19) VCF-style: chr5-112177407-T-G.
Other names: c.6116T>G, p.Leu2039Trp (NM_001127510.3, NM_001354895.2); c.6062T>G, p.Leu2021Trp (NM_001127511.3); c.6170T>G, p.Leu2057Trp (NM_001354896.2); c.6146T>G, p.Leu2049Trp (NM_001354897.2); c.6041T>G, p.Leu2014Trp (NM_001354898.2); c.6032T>G, p.Leu2011Trp (NM_001354899.2); c.5993T>G, p.Leu1998Trp (NM_001354900.2); c.5939T>G, p.Leu1980Trp (NM_001354901.2); and 5 more; short protein forms L1756W, L1879W, L1913W, L1938W, L2011W, L2014W, L2049W, L1998W.
Identifiers: ClinVar variation 919948 (VCV000919948.13), dbSNP rs1766138158, ClinGen allele CA16034720.

ClinVar aggregate classification (germline): Uncertain significance. Review status: criteria provided, multiple submitters, no conflicts (2 of 4 stars). 3 submissions from 3 submitters: Uncertain significance (3). Last evaluated 2024-03-05.

Conditions:
Hereditary cancer-predisposing syndrome. Also called: Neoplastic Syndromes, Hereditary; Tumor predisposition; Hereditary Cancer Syndrome; Hereditary neoplastic syndrome. Identifiers: Orphanet 140162, MedGen C0027672, MeSH D009386, MONDO:0015356.
Familial adenomatous polyposis 1 (FAP1). Also called: FAMILIAL ADENOMATOUS POLYPOSIS 1, ATTENUATED; POLYPOSIS, ADENOMATOUS INTESTINAL. Identifiers: MedGen C2713442, MONDO:0021056, OMIM 175100. Disease mechanism: loss of function.
Classic or attenuated familial adenomatous polyposis. Identifiers: MedGen CN372698, MONDO:0021057.

Submissions (3):

All of Us Research Program, National Institutes of Health
Classification: Uncertain significance for Classic or attenuated familial adenomatous polyposis. Last evaluated: 2024-03-05. Review status: criteria provided, single submitter. Criteria: ACMG Guidelines, 2015. Collection method: clinical testing. Allele origin: germline. Inheritance: Autosomal dominant inheritance. Observed: 1 variant allele, 1 heterozygote.
Comment: This study involves interpretation of variants in research participants for the purpose of population health screening. Participant phenotype was not available at the time of variant classification. Additional details can be found in publication PMID: 35346344, PMCID: PMC8962531

Color Diagnostics, LLC DBA Color Health
Classification: Uncertain significance for Hereditary cancer-predisposing syndrome. Last evaluated: 2023-12-04. Review status: criteria provided, single submitter. Criteria: ACMG Guidelines, 2015. Collection method: clinical testing. Allele origin: germline.
Comment: This missense variant replaces leucine with tryptophan at codon 2039 of the APC protein. Computational prediction suggests that this variant may have deleterious impact on protein structure and function (internally defined REVEL score threshold >= 0.7, PMID: 27666373). To our knowledge, functional studies have not been reported for this variant. This variant has not been reported in individuals affected with APC-related disorders in the literature. This variant has not been identified in the general population by the Genome Aggregation Database (gnomAD). The available evidence is insufficient to determine the role of this variant in disease conclusively. Therefore, this variant is classified as a Variant of Uncertain Significance.

Labcorp Genetics (formerly Invitae), Labcorp
Classification: Uncertain significance for Familial adenomatous polyposis 1. Last evaluated: 2022-01-13. Review status: criteria provided, single submitter. Criteria: Invitae Variant Classification Sherloc (09022015). Collection method: clinical testing. Allele origin: germline.
Comment: ClinVar contains an entry for this variant (Variation ID: 919948). Algorithms developed to predict the effect of missense changes on protein structure and function are either unavailable or do not agree on the potential impact of this missense change (SIFT: "Deleterious"; PolyPhen-2: "Probably Damaging"; Align-GVGD: "Class C0"). In summary, the available evidence is currently insufficient to determine the role of this variant in disease. Therefore, it has been classified as a Variant of Uncertain Significance. This variant has not been reported in the literature in individuals affected with APC-related conditions. This sequence change replaces leucine, which is neutral and non-polar, with tryptophan, which is neutral and slightly polar, at codon 2039 of the APC protein (p.Leu2039Trp). This variant is not present in population databases (gnomAD no frequency).